The following is an entry in ClinVar:

ClinVar aggregate classification (germline): Uncertain significance (1 of 4 stars; one submission).

Conditions:
Hereditary spastic paraplegia 74. Also called: Spastic paraplegia 74, autosomal recessive. Identifiers: Orphanet 468661, MedGen C5568837, MONDO:0014644, OMIM 616451.
Multiple mitochondrial dysfunctions syndrome 3 (MMDS3). Identifiers: Orphanet 363424, MedGen C3809165, MONDO:0014132, OMIM 615330.

Allele frequency attached by ClinVar (database versions not stated): gnomAD exomes 0.00001.

Submission:

Labcorp Genetics (formerly Invitae), Labcorp
Classification: Uncertain significance for Multiple mitochondrial dysfunctions syndrome 3; Hereditary spastic paraplegia 74. Last evaluated: 2018-11-29. Review status: criteria provided, single submitter. Criteria: Invitae Variant Classification Sherloc (09022015). Collection method: clinical testing. Allele origin: germline.
Comment: Algorithms developed to predict the effect of missense changes on protein structure and function output the following: SIFT: "Tolerated"; PolyPhen-2: "Benign"; Align-GVGD: "Class C0". The threonine amino acid residue is found in multiple mammalian species, suggesting that this missense change does not adversely affect protein function. These predictions have not been confirmed by published functional studies and their clinical significance is uncertain. In summary, the available evidence is currently insufficient to determine the role of this variant in disease. Therefore, it has been classified as a Variant of Uncertain Significance. This sequence change replaces alanine with threonine at codon 88 of the IBA57 protein (p.Ala88Thr). The alanine residue is weakly conserved and there is a small physicochemical difference between alanine and threonine. This variant has not been reported in the literature in individuals with IBA57-related conditions. The frequency data for this variant in the population databases is considered unreliable, as metrics indicate insufficient coverage at this position in the ExAC database.

NM_001010867.4(IBA57):c.262G>A (p.Ala88Thr)

Gene: IBA57 (iron-sulfur cluster assembly factor IBA57; plus strand). Cytogenetic location: 1q42.13.
Variant type: single nucleotide variant.
Coding change: c.262G>A on transcript NM_001010867.4 (MANE Select); coding-DNA position 262, G replaced by A.
Protein change: p.Ala88Thr; replaces alanine 88 with threonine.
Molecular consequence: missense variant.
Genome position (GRCh38, 1-based): chr1:228,166,078, G>A. VCF-style: chr1-228166078-G-A. GRCh37 (hg19) VCF-style: chr1-228353779-G-A.
Other names: short protein forms A88T.
Identifiers: ClinVar variation 655156 (VCV000655156.8), dbSNP rs1186238890, ClinGen allele CA345106199.